The following is an entry in ClinVar:

ClinVar aggregate classification (germline): Uncertain significance (1 of 4 stars; one submission).

Conditions:
Pyruvate dehydrogenase E2 deficiency (PDHDD). Also called: Dihydrolipoamide Acetyltransferase (E2) Deficiency; LACTIC ACIDEMIA DUE TO DEFECT OF E2 LIPOYL TRANSACETYLASE OF THE PYRUVATE DEHYDROGENASE COMPLEX. Identifiers: Orphanet 765, Orphanet 79244, MedGen C1855565, MONDO:0009502, OMIM 245348.

Submission:

Labcorp Genetics (formerly Invitae), Labcorp
Classification: Uncertain significance for Pyruvate dehydrogenase E2 deficiency. Last evaluated: 2024-10-24. Review status: criteria provided, single submitter. Criteria: Invitae Variant Classification Sherloc (09022015). Collection method: clinical testing. Allele origin: germline.
Comment: This sequence change replaces glycine, which is neutral and non-polar, with cysteine, which is neutral and slightly polar, at codon 591 of the DLAT protein (p.Gly591Cys). This variant is not present in population databases (gnomAD no frequency). This variant has not been reported in the literature in individuals affected with DLAT-related conditions. ClinVar contains an entry for this variant (Variation ID: 2007946). Invitae Evidence Modeling of protein sequence and biophysical properties (such as structural, functional, and spatial information, amino acid conservation, physicochemical variation, residue mobility, and thermodynamic stability) indicates that this missense variant is expected to disrupt DLAT protein function with a positive predictive value of 80%. In summary, the available evidence is currently insufficient to determine the role of this variant in disease. Therefore, it has been classified as a Variant of Uncertain Significance.

NM_001931.5(DLAT):c.1771G>T (p.Gly591Cys)

Genes: DLAT (dihydrolipoamide S-acetyltransferase; plus strand), PIH1D2 (PIH1 domain containing 2; minus strand). Cytogenetic location: 11q23.1.
Variant type: single nucleotide variant.
Coding change: c.1771G>T on transcript NM_001931.5 (MANE Select); coding-DNA position 1771, G replaced by T.
Protein change: p.Gly591Cys; replaces glycine 591 with cysteine.
Molecular consequence: missense variant. On other transcripts: non-coding transcript variant (1).
Genome position (GRCh38, 1-based): chr11:112,061,131, G>T. VCF-style: chr11-112061131-G-T. GRCh37 (hg19) VCF-style: chr11-111931855-G-T.
Other names: c.1789G>T, p.Gly597Cys (NM_001372031.1); c.1765G>T, p.Gly589Cys (NM_001372032.1); c.1750G>T, p.Gly584Cys (NM_001372033.1); c.1738G>T, p.Gly580Cys (NM_001372034.1); c.1663G>T, p.Gly555Cys (NM_001372035.1); c.1645G>T, p.Gly549Cys (NM_001372036.1); c.1603G>T, p.Gly535Cys (NM_001372037.1); c.1492G>T, p.Gly498Cys (NM_001372038.1); and 4 more; short protein forms G450C, G486C, G597C, G437C, G464C, G549C, G589C, G535C.
Identifiers: ClinVar variation 2007946 (VCV002007946.4), dbSNP rs1388530412, ClinGen allele CA382618433.